The following is an entry in ClinVar:

NM_000540.3(RYR1):c.7558_7566del (p.His2520_Leu2522del)

Gene: RYR1 (ryanodine receptor 1; plus strand). Cytogenetic location: 19q13.2.
Variant type: Deletion.
Coding change: c.7558_7566del on transcript NM_000540.3 (MANE Select); coding-DNA positions 7558 to 7566, 9 bases deleted (CACGTGCTG; older notation c.7558_7566delCACGTGCTG).
Protein change: p.His2520_Leu2522del.
Molecular consequence: inframe deletion.
Genome position (GRCh38, 1-based): chr19:38,500,934-38,500,942, CACGTGCTG deleted; deleting any 9 consecutive bases within chr19:38,500,929-38,500,942 gives the same sequence; the c. name uses the placement nearest the transcript's 3' end. VCF-style (leftmost placement, unchanged base first): chr19-38500928-TTGCTGCACG-T. GRCh37 (hg19) VCF-style: chr19-38991568-TTGCTGCACG-T.
Other names: c.7558_7566del, p.His2520_Leu2522del (NM_001042723.2).
Identifiers: ClinVar variation 4703496 (VCV004703496.1).
Genomic context (GRCh38, chr19:38,500,928, plus strand): 5'-CACAAGGCGTCCATGGTGCTCTTCCTGGACCGTGTGTATGGCATCGAGAACCAGGACTTC[TTGCTGCACG>T]TGCTGGACGTGGGGTTCCTGCCCGACATGAGGGCAGCCGCCTCGCTGGACACGGTGAGCA-3'

ClinVar aggregate classification (germline): Uncertain significance (1 of 4 stars; one submission).

Conditions:
RYR1-related disorder. Also called: RYR1-related condition; RYR1-related disorders. Identifiers: MedGen CN239331.

Submission:

Labcorp Genetics (formerly Invitae), Labcorp
Classification: Uncertain significance for RYR1-related disorder. Last evaluated: 2025-10-06. Review status: criteria provided, single submitter. Criteria: Invitae Variant Classification Sherloc (09022015). Collection method: clinical testing. Allele origin: germline.
Comment: This variant, c.7558_7566del, results in the deletion of 3 amino acid(s) of the RYR1 protein (p.His2520_Leu2522del), but otherwise preserves the integrity of the reading frame. This variant is not present in population databases (gnomAD no frequency). This variant has not been reported in the literature in individuals affected with RYR1-related conditions. Experimental studies and prediction algorithms are not available or were not evaluated, and the functional significance of this variant is currently unknown. In summary, the available evidence is currently insufficient to determine the role of this variant in disease. Therefore, it has been classified as a Variant of Uncertain Significance.